The following is an entry in ClinVar:

ClinVar aggregate classification (germline): Uncertain significance. Review status: criteria provided, multiple submitters, no conflicts (2 of 4 stars). 2 submissions from 2 submitters: Uncertain significance (2). Last evaluated 2025-04-09.

Conditions:
Hypertrophic cardiomyopathy 11. Also called: ACTC1-Related Familial Hypertrophic Cardiomyopathy. Identifiers: MedGen C2677506, MONDO:0012799, OMIM 612098.
Dilated cardiomyopathy 1R (CMD1R). Identifiers: Orphanet 154, Orphanet 54260, MedGen C3150681, MONDO:0013261, OMIM 613424.
Atrial septal defect 5 (ASD5). Identifiers: Orphanet 1478, MedGen C2748552, MONDO:0013011, OMIM 612794.
Cardiovascular phenotype. Identifiers: MedGen CN230736.

Submissions (2):

Molecular Diagnostic Laboratory for Inherited Cardiovascular Disease, Montreal Heart Institute
Classification: Uncertain significance for Cardiovascular phenotype. Last evaluated: 2025-04-09. Review status: criteria provided, single submitter. Criteria: ACMG Guidelines, 2015. Collection method: clinical testing. Allele origin: germline. Affected: yes.

Labcorp Genetics (formerly Invitae), Labcorp
Classification: Uncertain significance for Dilated cardiomyopathy 1R; Hypertrophic cardiomyopathy 11; Atrial septal defect 5. Last evaluated: 2023-05-25. Review status: criteria provided, single submitter. Criteria: Invitae Variant Classification Sherloc (09022015). Collection method: clinical testing. Allele origin: germline.
Comment: Advanced modeling of protein sequence and biophysical properties (such as structural, functional, and spatial information, amino acid conservation, physicochemical variation, residue mobility, and thermodynamic stability) performed at Invitae indicates that this missense variant is not expected to disrupt ACTC1 protein function. In summary, the available evidence is currently insufficient to determine the role of this variant in disease. Therefore, it has been classified as a Variant of Uncertain Significance. Algorithms developed to predict the effect of sequence changes on RNA splicing suggest that this variant may disrupt the consensus splice site. This variant has not been reported in the literature in individuals affected with ACTC1-related conditions. This variant is not present in population databases (gnomAD no frequency). This sequence change replaces serine, which is neutral and polar, with threonine, which is neutral and polar, at codon 283 of the ACTC1 protein (p.Ser283Thr).

NM_005159.5(ACTC1):c.848G>C (p.Ser283Thr)

Genes: ACTC1 (actin alpha cardiac muscle 1; minus strand), GJD2-DT (GJD2 divergent transcript; plus strand). Cytogenetic location: 15q14.
Variant type: single nucleotide variant.
Coding change: c.848G>C on transcript NM_005159.5 (MANE Select); coding-DNA position 848, G replaced by C.
Protein change: p.Ser283Thr; replaces serine 283 with threonine.
Molecular consequence: missense variant.
Genome position (GRCh38, 1-based): chr15:34,791,256, C>G on the plus strand (G>C on the coding strand, the complement: ACTC1 is on the minus strand). VCF-style: chr15-34791256-C-G. GRCh37 (hg19) VCF-style: chr15-35083457-C-G.
Other names: c.848G>C, p.Ser283Thr (NM_001406482.1, NM_001406483.1); c.713G>C, p.Ser238Thr (NM_001406484.1); c.407G>C, p.Ser136Thr (NM_001406485.1); short protein forms S136T, S238T, S283T.
Identifiers: ClinVar variation 2948203 (VCV002948203.4), dbSNP rs2504177659, ClinGen allele CA391629584.